The following is an entry in ClinVar:

ClinVar aggregate classification (germline): Uncertain significance (1 of 4 stars; one submission).

Conditions:
Arginase deficiency. Also called: ARGININEMIA; ARG1 DEFICIENCY; Arginase 1 Deficiency. Identifiers: Orphanet 90, MedGen C0268548, MONDO:0008814, OMIM 207800.

Submission:

Labcorp Genetics (formerly Invitae), Labcorp
Classification: Uncertain significance for Arginase deficiency. Last evaluated: 2022-07-25. Review status: criteria provided, single submitter. Criteria: Invitae Variant Classification Sherloc (09022015). Collection method: clinical testing. Allele origin: germline.
Comment: In summary, the available evidence is currently insufficient to determine the role of this variant in disease. Therefore, it has been classified as a Variant of Uncertain Significance. Algorithms developed to predict the effect of sequence changes on RNA splicing suggest that this variant may disrupt the consensus splice site. ClinVar contains an entry for this variant (Variation ID: 1395921). This variant has not been reported in the literature in individuals affected with ARG1-related conditions. This variant is not present in population databases (gnomAD no frequency). This sequence change falls in intron 7 of the ARG1 gene. It does not directly change the encoded amino acid sequence of the ARG1 protein.

NM_000045.4(ARG1):c.803-14A>G

Genes: ARG1 (arginase 1; plus strand), MED23 (mediator complex subunit 23; minus strand). Cytogenetic location: 6q23.2.
Variant type: single nucleotide variant.
Coding change: c.803-14A>G on transcript NM_000045.4 (MANE Select); 14 bases into the intron before coding-DNA position 803, A replaced by G.
Molecular consequence: intron variant.
Genome position (GRCh38, 1-based): chr6:131,583,728, A>G. VCF-style: chr6-131583728-A-G. GRCh37 (hg19) VCF-style: chr6-131904868-A-G.
Other names: c.827-14A>G (NM_001244438.2); c.548-14A>G (NM_001369020.1); c.4077+3981T>C (NM_001270521.2); c.4095+3981T>C (NM_015979.4).
Identifiers: ClinVar variation 1395921 (VCV001395921.7), dbSNP rs1774057954, ClinGen allele CA1664137689.